The following is an entry in ClinVar:

NM_001127198.5(TMC6):c.377C>T (p.Pro126Leu)

Gene: TMC6 (transmembrane channel like 6; minus strand). Cytogenetic location: 17q25.3.
Variant type: single nucleotide variant.
Coding change: c.377C>T on transcript NM_001127198.5 (MANE Select); coding-DNA position 377, C replaced by T.
Protein change: p.Pro126Leu; replaces proline 126 with leucine.
Molecular consequence: missense variant. On other transcripts: non-coding transcript variant (4).
Genome position (GRCh38, 1-based): chr17:78,125,779, G>A on the plus strand (C>T on the coding strand, the complement: TMC6 is on the minus strand). VCF-style: chr17-78125779-G-A. GRCh37 (hg19) VCF-style: chr17-76121860-G-A.
Other names: c.377C>T, p.Pro126Leu (NM_001321185.1, NM_001374593.1, NM_001374594.1 and 4 more transcripts); c.377C>T (NM_007267.6); short protein forms P126L.
Identifiers: ClinVar variation 574094 (VCV000574094.6), dbSNP rs1448286849, ClinGen allele CA401234928.
Genomic context (GRCh38, chr17:78,125,779, plus strand): 5'-CACTCACCCTCCTCCTCCAGGGCCGTGGGGTCCAGCTCCAGGTCGTACAGGCGGAGGCTG[G>A]GCCAGGCGGAGCGGACAAAGTTCCCGAGCAGGGGCCGGCTGCTCCTGCACCGAAGCTGCA-3'
Protein context (NP_001120670.1, residues 116-136): LLGNFVRSAW[Pro126Leu]SLRLYDLELD

ClinVar aggregate classification (germline): Uncertain significance. Review status: criteria provided, multiple submitters, no conflicts (2 of 4 stars). 2 submissions from 2 submitters: Uncertain significance (2). Last evaluated 2023-11-06.

Conditions:
Inborn genetic diseases. Identifiers: MedGen C0950123, MeSH D030342.
Epidermodysplasia verruciformis. Identifiers: Orphanet 302, MedGen C0014522, MONDO:0009176.

Allele frequency attached by ClinVar (database versions not stated): TOPMed below 0.00001; gnomAD 0.00001; gnomAD exomes 0.00001 and 0.00002.

Submissions (2):

Ambry Genetics
Classification: Uncertain significance for Inborn genetic diseases. Last evaluated: 2023-11-06. Review status: criteria provided, single submitter. Criteria: Ambry Variant Classification Scheme 2023. Collection method: clinical testing. Allele origin: germline.

Labcorp Genetics (formerly Invitae), Labcorp
Classification: Uncertain significance for Epidermodysplasia verruciformis. Last evaluated: 2022-08-22. Review status: criteria provided, single submitter. Criteria: Invitae Variant Classification Sherloc (09022015). Collection method: clinical testing. Allele origin: germline.
Comment: This sequence change replaces proline, which is neutral and non-polar, with leucine, which is neutral and non-polar, at codon 126 of the TMC6 protein (p.Pro126Leu). The frequency data for this variant in the population databases is considered unreliable, as metrics indicate poor data quality at this position in the gnomAD database. This variant has not been reported in the literature in individuals affected with TMC6-related conditions. ClinVar contains an entry for this variant (Variation ID: 574094). Algorithms developed to predict the effect of missense changes on protein structure and function are either unavailable or do not agree on the potential impact of this missense change (SIFT: "Not Available"; PolyPhen-2: "Possibly Damaging"; Align-GVGD: "Not Available"). In summary, the available evidence is currently insufficient to determine the role of this variant in disease. Therefore, it has been classified as a Variant of Uncertain Significance.